The following is an entry in ClinVar:

ClinVar aggregate classification (germline): Conflicting classifications of pathogenicity. Review status: criteria provided, conflicting classifications (1 of 4 stars). 6 submissions from 6 submitters: Uncertain significance (5); Likely benign (1). Last evaluated 2026-02-08.

Conditions:
BRCA2-related disorder. Also called: BRCA2-related condition; BRCA2-related disorders. Identifiers: MedGen CN239275.
Hereditary cancer-predisposing syndrome. Also called: Neoplastic Syndromes, Hereditary; Tumor predisposition; Hereditary neoplastic syndrome; Hereditary Cancer Syndrome. Identifiers: Orphanet 140162, MedGen C0027672, MeSH D009386, MONDO:0015356.
Hereditary breast ovarian cancer syndrome. Also called: Hereditary breast and ovarian cancer syndrome (HBOC); Hereditary breast and ovarian cancer; Hereditary breast and ovarian cancer syndrome; Hereditary breast and/or ovarian cancer syndrome; BRCA1- and BRCA2-Associated Hereditary Breast and Ovarian Cancer; Breast and ovarian cancer. Identifiers: Orphanet 145, MedGen C0677776, MeSH D061325, MONDO:0003582. Disease mechanism: loss of function.

Submissions (6):

PreventionGenetics, part of Exact Sciences
Classification: Uncertain significance for BRCA2-related condition. Last evaluated: 2026-02-08. Review status: criteria provided, single submitter. Criteria: ACMG Guidelines, 2015. Collection method: clinical testing. Allele origin: germline.
Comment: The BRCA2 c.6787G>A variant is predicted to result in the amino acid substitution p.Val2263Ile. To our knowledge, this variant has not been reported in the literature or in the large population database gnomAD, indicating this variant is rare. It is interpreted as uncertain significance and likely benign in ClinVar (Variation ID: 632702). At this time, the clinical significance of this variant is uncertain due to the absence of conclusive functional and genetic evidence.

Ambry Genetics
Classification: Uncertain significance for Hereditary cancer-predisposing syndrome. Last evaluated: 2024-11-26. Review status: criteria provided, single submitter. Criteria: Ambry Variant Classification Scheme 2023. Collection method: clinical testing. Allele origin: germline.
Comment: The p.V2263I variant (also known as c.6787G>A), located in coding exon 10 of the BRCA2 gene, results from a G to A substitution at nucleotide position 6787. The valine at codon 2263 is replaced by isoleucine, an amino acid with highly similar properties. This amino acid position is poorly conserved in available vertebrate species. In addition, this alteration is predicted to be tolerated by in silico analysis. Since supporting evidence is limited at this time, the clinical significance of this alteration remains unclear.

Labcorp Genetics (formerly Invitae), Labcorp
Classification: Uncertain significance for Hereditary breast ovarian cancer syndrome. Last evaluated: 2024-08-28. Review status: criteria provided, single submitter. Criteria: Invitae Variant Classification Sherloc (09022015). Collection method: clinical testing. Allele origin: germline.
Comment: This sequence change replaces valine, which is neutral and non-polar, with isoleucine, which is neutral and non-polar, at codon 2263 of the BRCA2 protein (p.Val2263Ile). This variant is not present in population databases (gnomAD no frequency). This variant has not been reported in the literature in individuals affected with BRCA2-related conditions. ClinVar contains an entry for this variant (Variation ID: 632702). Invitae Evidence Modeling of protein sequence and biophysical properties (such as structural, functional, and spatial information, amino acid conservation, physicochemical variation, residue mobility, and thermodynamic stability) indicates that this missense variant is not expected to disrupt BRCA2 protein function with a negative predictive value of 95%. In summary, the available evidence is currently insufficient to determine the role of this variant in disease. Therefore, it has been classified as a Variant of Uncertain Significance.

University of Washington Department of Laboratory Medicine, University of Washington
Classification: Likely benign for Hereditary cancer-predisposing syndrome. Last evaluated: 2023-03-23. Review status: criteria provided, single submitter. Criteria: Dines et al. (Genet Med. 2020). Collection method: curation. Allele origin: germline.
Comment: Missense variant in a coldspot region where missense variants are very unlikely to be pathogenic (PMID:31911673).

BRCA2 exon 11 coldspot. Reclassification based on statistical prior probability.

GeneDx
Classification: Uncertain significance. Last evaluated: 2020-07-16. Review status: criteria provided, single submitter. Criteria: GeneDx Variant Classification Process June 2021. Collection method: clinical testing. Allele origin: germline. Affected: yes.
Comment: Not observed in large population cohorts (Lek 2016); In silico analysis supports that this missense variant does not alter protein structure/function; Has not been previously published as pathogenic or benign to our knowledge

Women's Health and Genetics/Laboratory Corporation of America, LabCorp
Classification: Uncertain significance. Last evaluated: 2018-12-24. Review status: criteria provided, single submitter. Criteria: LabCorp Variant Classification Summary - May 2015. Collection method: clinical testing. Allele origin: germline.
Comment: Variant summary: BRCA2 c.6787G>A (p.Val2263Ile) results in a conservative amino acid change in the encoded protein sequence. Five of five in-silico tools predict a benign effect of the variant on protein function. The variant was absent in 246156 control chromosomes (gnomAD). The available data on variant occurrences in the general population are insufficient to allow any conclusion about variant significance. To our knowledge, no occurrence of c.6787G>A in individuals affected with Hereditary Breast and Ovarian Cancer and no experimental evidence demonstrating its impact on protein function have been reported. No clinical diagnostic laboratories have submitted clinical-significance assessments for this variant to ClinVar after 2014. Based on the evidence outlined above, the variant was classified as uncertain significance.

NM_000059.4(BRCA2):c.6787G>A (p.Val2263Ile)

Gene: BRCA2 (BRCA2 DNA repair associated; plus strand). Cytogenetic location: 13q13.1.
Variant type: single nucleotide variant.
Coding change: c.6787G>A on transcript NM_000059.4 (MANE Select); coding-DNA position 6787, G replaced by A.
Protein change: p.Val2263Ile; replaces valine 2263 with isoleucine.
Molecular consequence: missense variant.
Genome position (GRCh38, 1-based): chr13:32,341,142, G>A. VCF-style: chr13-32341142-G-A. GRCh37 (hg19) VCF-style: chr13-32915279-G-A.
Other names: short protein forms V2263I.
Identifiers: ClinVar variation 632702 (VCV000632702.19), dbSNP rs1566235410, ClinGen allele CA387791295.